The following is an entry in ClinVar:

NM_000388.4(CASR):c.2516T>A (p.Ile839Asn)

Gene: CASR (calcium sensing receptor; plus strand). Cytogenetic location: 3q21.1.
Variant type: single nucleotide variant.
Coding change: c.2516T>A on transcript NM_000388.4 (MANE Select); coding-DNA position 2516, T replaced by A.
Protein change: p.Ile839Asn; replaces isoleucine 839 with asparagine.
Molecular consequence: missense variant.
Genome position (GRCh38, 1-based): chr3:122,284,470, T>A. VCF-style: chr3-122284470-T-A. GRCh37 (hg19) VCF-style: chr3-122003317-T-A.
Other names: c.2546T>A, p.Ile849Asn (NM_001178065.2); short protein forms I839N, I849N.
Identifiers: ClinVar variation 1698776 (VCV001698776.2), dbSNP rs2107650645, ClinGen allele CA354160132.

ClinVar aggregate classification (germline): Likely pathogenic (1 of 4 stars; one submission).

Conditions:
Autosomal dominant hypocalcemia 1 (HYPOC1). Also called: HYPOCALCEMIA, FAMILIAL. Identifiers: MedGen C3715128, MONDO:0011013, OMIM 601198.

Submission:

Genetics and Molecular Pathology, SA Pathology
Classification: Likely pathogenic for Autosomal dominant hypocalcemia 1. Last evaluated: 2020-12-22. Review status: criteria provided, single submitter. Criteria: ACMG Guidelines, 2015. Collection method: clinical testing. Allele origin: germline. Inheritance: Autosomal dominant inheritance. Affected: yes.
Comment: PM2, PM5, PM1, PS2-supporting